The following is an entry in ClinVar:

ClinVar aggregate classification (germline): Benign/Likely benign. Review status: criteria provided, multiple submitters, no conflicts (2 of 4 stars). 4 submissions from 4 submitters: Benign (1); Likely benign (3). Last evaluated 2025-04-18.

Conditions:
Birt-Hogg-Dube syndrome 1 (BHD1). Also called: FIBROFOLLICULOMAS WITH TRICHODISCOMAS AND ACROCHORDONS. Identifiers: Orphanet 122, MedGen CN375946, MONDO:0800445, OMIM 135150.
Hereditary cancer-predisposing syndrome. Also called: Tumor predisposition; Hereditary neoplastic syndrome; Neoplastic Syndromes, Hereditary; Hereditary Cancer Syndrome. Identifiers: Orphanet 140162, MedGen C0027672, MeSH D009386, MONDO:0015356.
Birt-Hogg-Dube syndrome. Also called: Birt Hogg Dubé syndrome. Identifiers: Orphanet 122, MedGen C0346010, MONDO:0800444.

Allele frequency attached by ClinVar (database versions not stated): gnomAD exomes below 0.00001; ExAC 0.00001; gnomAD 0.00001; TOPMed 0.00002.
gnomAD v4.1: 7 of 1,614,076 alleles (0.00043%); highest among the groups gnomAD compares: African/African-American, 0.0027%; no homozygotes.

Submissions (4):

Labcorp Genetics (formerly Invitae), Labcorp
Classification: Likely benign for Birt-Hogg-Dube syndrome. Last evaluated: 2025-04-18. Review status: criteria provided, single submitter. Criteria: Invitae Variant Classification Sherloc (09022015). Collection method: clinical testing. Allele origin: germline.

Myriad Genetics, Inc.
Classification: Benign for Birt-Hogg-Dube syndrome 1. Last evaluated: 2024-10-23. Review status: criteria provided, single submitter. Criteria: Myriad Autosomal Dominant, Autosomal Recessive and X-Linked Classification Criteria (2023). Collection method: clinical testing. Allele origin: unknown.
Comment: This variant is considered benign. This variant is a silent/synonymous amino acid change and it is not expected to impact splicing.

Women's Health and Genetics/Laboratory Corporation of America, LabCorp
Classification: Likely benign. Last evaluated: 2023-07-10. Review status: criteria provided, single submitter. Criteria: LabCorp Variant Classification Summary - May 2015. Collection method: clinical testing. Allele origin: germline.

Ambry Genetics
Classification: Likely benign for Hereditary cancer-predisposing syndrome. Last evaluated: 2021-01-08. Review status: criteria provided, single submitter. Criteria: Ambry Variant Classification Scheme 2023. Collection method: clinical testing. Allele origin: germline.

NM_144997.7(FLCN):c.681G>A (p.Thr227=)

Gene: FLCN (folliculin; minus strand). Cytogenetic location: 17p11.2.
Variant type: single nucleotide variant.
Coding change: c.681G>A on transcript NM_144997.7 (MANE Select); coding-DNA position 681, G replaced by A.
Protein change: p.Thr227=; no amino-acid change (threonine 227 retained).
Molecular consequence: synonymous variant.
Genome position (GRCh38, 1-based): chr17:17,222,599, C>T on the plus strand (G>A on the coding strand, the complement: FLCN is on the minus strand). VCF-style: chr17-17222599-C-T. GRCh37 (hg19) VCF-style: chr17-17125913-C-T.
Other names: c.735G>A, p.Thr245= (NM_001353229.2); c.681G>A, p.Thr227= (NM_001353230.2, NM_001353231.2, NM_144606.7).
Identifiers: ClinVar variation 706980 (VCV000706980.11), dbSNP rs781035304, ClinGen allele CA8416339.